The following is an entry in ClinVar:

NM_133459.4(CCBE1):c.1079G>A (p.Arg360Gln)

Gene: CCBE1 (collagen and calcium binding EGF domains 1; minus strand). Cytogenetic location: 18q21.32.
Variant type: single nucleotide variant.
Coding change: c.1079G>A on transcript NM_133459.4 (MANE Select); coding-DNA position 1079, G replaced by A.
Protein change: p.Arg360Gln; replaces arginine 360 with glutamine.
Molecular consequence: missense variant.
Genome position (GRCh38, 1-based): chr18:59,436,050, C>T on the plus strand (G>A on the coding strand, the complement: CCBE1 is on the minus strand). VCF-style: chr18-59436050-C-T. GRCh37 (hg19) VCF-style: chr18-57103282-C-T.
Other names: short protein forms R360Q.
Identifiers: ClinVar variation 892063 (VCV000892063.9), dbSNP rs200219373, ClinGen allele CA8980176.

ClinVar aggregate classification (germline): Conflicting classifications of pathogenicity. Review status: criteria provided, conflicting classifications (1 of 4 stars). 3 submissions from 3 submitters: Uncertain significance (2); Benign (1). Last evaluated 2022-08-23.

Conditions:
Hennekam lymphangiectasia-lymphedema syndrome 1 (HKLLS1). Also called: LYMPHATIC DYSPLASIA, GENERALIZED. Identifiers: Orphanet 2136, MedGen C4012050, MONDO:0009337, OMIM 235510.

Allele frequency attached by ClinVar (database versions not stated): TOPMed 0.00002; 1000 Genomes Project 0.00040; 1000 Genomes Project 30x 0.00031.
gnomAD v4.1: 106 of 1,614,088 alleles (0.0066%); highest among the groups gnomAD compares: Middle Eastern, 0.33%; 2 homozygotes.

Submissions (3):

Labcorp Genetics (formerly Invitae), Labcorp
Classification: Uncertain significance. Last evaluated: 2022-08-23. Review status: criteria provided, single submitter. Criteria: Invitae Variant Classification Sherloc (09022015). Collection method: clinical testing. Allele origin: germline.
Comment: This sequence change replaces arginine, which is basic and polar, with glutamine, which is neutral and polar, at codon 360 of the CCBE1 protein (p.Arg360Gln). This variant is present in population databases (rs200219373, gnomAD 0.08%). This variant has not been reported in the literature in individuals affected with CCBE1-related conditions. ClinVar contains an entry for this variant (Variation ID: 892063). Algorithms developed to predict the effect of missense changes on protein structure and function output the following: SIFT: "Deleterious"; PolyPhen-2: "Benign"; Align-GVGD: "Class C0". The glutamine amino acid residue is found in multiple mammalian species, which suggests that this missense change does not adversely affect protein function. In summary, the available evidence is currently insufficient to determine the role of this variant in disease. Therefore, it has been classified as a Variant of Uncertain Significance.

Illumina Laboratory Services, Illumina
Classification: Uncertain significance for Hennekam lymphangiectasia-lymphedema syndrome 1. Last evaluated: 2018-01-12. Review status: criteria provided, single submitter. Criteria: ICSL Variant Classification Criteria 13 December 2019. Collection method: clinical testing. Allele origin: germline.

Pathology and Clinical Laboratory Medicine, King Fahad Medical City
Classification: Benign. Review status: criteria provided, single submitter. Criteria: ACMG Guidelines, 2015. Collection method: clinical testing. Allele origin: germline. Affected: no. Observed: 5 variant alleles.